The following is an entry in ClinVar:

ClinVar aggregate classification (germline): Uncertain significance (1 of 4 stars; one submission).

gnomAD v4.1: 1 of 1,203,854 alleles (0.000083%); highest among the groups gnomAD compares: Admixed American, 0.0022%; no homozygotes.

Submission:

GeneDx
Classification: Uncertain significance. Last evaluated: 2025-06-02. Review status: criteria provided, single submitter. Criteria: GeneDx Variant Classification Process June 2021. Collection method: clinical testing. Allele origin: germline.
Comment: In silico analysis supports that this missense variant has a deleterious effect on protein structure/function; Has not been previously published as pathogenic or benign to our knowledge

NM_004595.5(SMS):c.1012C>T (p.Pro338Ser)

Gene: SMS (spermine synthase; plus strand). Cytogenetic location: Xp22.11.
Variant type: single nucleotide variant.
Coding change: c.1012C>T on transcript NM_004595.5 (MANE Select); coding-DNA position 1012, C replaced by T.
Protein change: p.Pro338Ser; replaces proline 338 with serine.
Molecular consequence: missense variant.
Genome position (GRCh38, 1-based): chrX:21,992,663, C>T. VCF-style: chrX-21992663-C-T. GRCh37 (hg19) VCF-style: chrX-22010781-C-T.
Other names: c.853C>T, p.Pro285Ser (NM_001258423.2); short protein forms P338S, P285S.
Identifiers: ClinVar variation 3731102 (VCV003731102.2).